The following is an entry in ClinVar:

ClinVar aggregate classification (germline): Conflicting classifications of pathogenicity. Review status: criteria provided, conflicting classifications (1 of 4 stars). 5 submissions from 5 submitters: Uncertain significance (3); Likely benign (2). Last evaluated 2026-10-13.

Conditions:
Ataxia-telangiectasia-like disorder (ATLD). Identifiers: MedGen C1858391, MONDO:0011457.
Hereditary cancer-predisposing syndrome. Also called: Neoplastic Syndromes, Hereditary; Hereditary neoplastic syndrome; Tumor predisposition; Hereditary Cancer Syndrome. Identifiers: Orphanet 140162, MedGen C0027672, MeSH D009386, MONDO:0015356.
Ataxia-telangiectasia-like disorder 1 (ATLD1). Identifiers: Orphanet 251347, MedGen C4012790, MONDO:0024557, OMIM 604391.

Allele frequency attached by ClinVar (database versions not stated): TOPMed 0.00055; 1000 Genomes Project 30x 0.00078; 1000 Genomes Project 0.00060; ESP Exome Variant Server 0.00031.

Submissions (5):

GeneDx
Classification: Uncertain significance. Last evaluated: 2026-10-13. Review status: criteria provided, single submitter. Criteria: GeneDx Variant Classification Process June 2021. Collection method: clinical testing. Allele origin: germline.
Comment: In silico analysis suggests that this missense variant does not alter protein structure/function; Has not been previously published as pathogenic or benign to our knowledge

Labcorp Genetics (formerly Invitae), Labcorp
Classification: Uncertain significance for Ataxia-telangiectasia-like disorder. Last evaluated: 2025-12-23. Review status: criteria provided, single submitter. Criteria: Invitae Variant Classification Sherloc (09022015). Collection method: clinical testing. Allele origin: germline.
Comment: This sequence change replaces leucine, which is neutral and non-polar, with phenylalanine, which is neutral and non-polar, at codon 7 of the MRE11 protein (p.Leu7Phe). This variant is present in population databases (rs73517551, gnomAD 0.2%). This variant has not been reported in the literature in individuals affected with MRE11-related conditions. ClinVar contains an entry for this variant (Variation ID: 141030). An algorithm developed to predict the effect of missense changes on protein structure and function (PolyPhen-2) suggests that this variant is likely to be tolerated. In summary, the available evidence is currently insufficient to determine the role of this variant in disease. Therefore, it has been classified as a Variant of Uncertain Significance.

Fulgent Genetics
Classification: Uncertain significance for Ataxia-telangiectasia-like disorder 1. Last evaluated: 2024-05-06. Review status: criteria provided, single submitter. Criteria: ACMG Guidelines, 2015. Collection method: clinical testing. Allele origin: germline.

Women's Health and Genetics/Laboratory Corporation of America, LabCorp
Classification: Likely benign. Last evaluated: 2024-01-25. Review status: criteria provided, single submitter. Criteria: LabCorp Variant Classification Summary - May 2015. Collection method: clinical testing. Allele origin: germline.
Comment: Variant summary: MRE11A c.19C>T (p.Leu7Phe) results in a non-conservative amino acid change in the encoded protein sequence. Three of five in-silico tools predict a benign effect of the variant on protein function. The variant also alters the second last nucleotide in exon 2. Consensus agreement among computation tools predict no significant impact on normal splicing. However, these predictions have yet to be confirmed by functional studies. The variant allele was found at a frequency of 7.6e-05 in 1613942 control chromosomes, predominantly at a frequency of 0.0015 within the African or African-American subpopulation in the gnomAD database. The observed variant frequency within African or African-American control individuals in the gnomAD database is approximately 24 fold of the estimated maximal expected allele frequency for a pathogenic variant in MRE11A causing Hereditary Breast And Ovarian Cancer Syndrome phenotype (6.3e-05), strongly suggesting that the variant is a benign polymorphism found primarily in populations of African or African-American origin. To our knowledge, no occurrence of c.19C>T in individuals affected with Hereditary Breast And Ovarian Cancer Syndrome and no experimental evidence demonstrating its impact on protein function have been reported. ClinVar contains an entry for this variant (Variation ID: 141030). Based on the evidence outlined above, the variant was classified as likely benign.

Ambry Genetics
Classification: Likely benign for Hereditary cancer-predisposing syndrome. Last evaluated: 2021-07-16. Review status: criteria provided, single submitter. Criteria: Ambry Variant Classification Scheme 2023. Collection method: clinical testing. Allele origin: germline.

NM_005591.4(MRE11):c.19C>T (p.Leu7Phe)

Gene: MRE11 (MRE11 double strand break repair nuclease; minus strand). Cytogenetic location: 11q21.
Variant type: single nucleotide variant.
Coding change: c.19C>T on transcript NM_005591.4 (MANE Select); coding-DNA position 19, C replaced by T.
Protein change: p.Leu7Phe; replaces leucine 7 with phenylalanine.
Molecular consequence: missense variant.
Genome position (GRCh38, 1-based): chr11:94,492,783, G>A on the plus strand (C>T on the coding strand, the complement: MRE11 is on the minus strand). VCF-style: chr11-94492783-G-A. GRCh37 (hg19) VCF-style: chr11-94225949-G-A.
Other names: c.19C>T, p.Leu7Phe (NM_001330347.2, NM_005590.4); short protein forms L7F.
Identifiers: ClinVar variation 141030 (VCV000141030.19), dbSNP rs73517551, ClinGen allele CA333186.